The following is an entry in ClinVar:

NM_000038.6(APC):c.5729C>T (p.Thr1910Ile)

Gene: APC (APC regulator of Wnt signaling pathway; plus strand). Cytogenetic location: 5q22.2.
Variant type: single nucleotide variant.
Coding change: c.5729C>T on transcript NM_000038.6 (MANE Select); coding-DNA position 5729, C replaced by T.
Protein change: p.Thr1910Ile; replaces threonine 1910 with isoleucine.
Molecular consequence: missense variant.
Genome position (GRCh38, 1-based): chr5:112,841,323, C>T. VCF-style: chr5-112841323-C-T. GRCh37 (hg19) VCF-style: chr5-112177020-C-T.
Other names: c.5729C>T, p.Thr1910Ile (NM_001127510.3, NM_001354895.2); c.5675C>T, p.Thr1892Ile (NM_001127511.3); c.5783C>T, p.Thr1928Ile (NM_001354896.2); c.5759C>T, p.Thr1920Ile (NM_001354897.2); c.5654C>T, p.Thr1885Ile (NM_001354898.2); c.5645C>T, p.Thr1882Ile (NM_001354899.2); c.5606C>T, p.Thr1869Ile (NM_001354900.2); c.5552C>T, p.Thr1851Ile (NM_001354901.2); and 5 more; short protein forms T1784I, T1809I, T1869I, T1885I, T1892I, T1627I, T1750I, T1851I.
Identifiers: ClinVar variation 665865 (VCV000665865.10), dbSNP rs772352376, ClinGen allele CA16033875.

ClinVar aggregate classification (germline): Uncertain significance (1 of 4 stars; one submission).

Conditions:
Familial adenomatous polyposis 1 (FAP1). Also called: POLYPOSIS, ADENOMATOUS INTESTINAL; FAMILIAL ADENOMATOUS POLYPOSIS 1, ATTENUATED. Identifiers: MedGen C2713442, MONDO:0021056, OMIM 175100. Disease mechanism: loss of function.

gnomAD v4.1: 1 of 1,613,940 alleles (0.000062%); no homozygotes.

Submission:

Labcorp Genetics (formerly Invitae), Labcorp
Classification: Uncertain significance for Familial adenomatous polyposis 1. Last evaluated: 2023-11-21. Review status: criteria provided, single submitter. Criteria: Invitae Variant Classification Sherloc (09022015). Collection method: clinical testing. Allele origin: germline.
Comment: This sequence change replaces threonine, which is neutral and polar, with isoleucine, which is neutral and non-polar, at codon 1910 of the APC protein (p.Thr1910Ile). This variant is not present in population databases (gnomAD no frequency). This variant has not been reported in the literature in individuals affected with APC-related conditions. ClinVar contains an entry for this variant (Variation ID: 665865). Advanced modeling of protein sequence and biophysical properties (such as structural, functional, and spatial information, amino acid conservation, physicochemical variation, residue mobility, and thermodynamic stability) performed at Invitae indicates that this missense variant is not expected to disrupt APC protein function with a negative predictive value of 95%. In summary, the available evidence is currently insufficient to determine the role of this variant in disease. Therefore, it has been classified as a Variant of Uncertain Significance.